The following is an entry in ClinVar:

NM_005051.3(QARS1):c.1270C>T (p.Pro424Ser)

Gene: QARS1 (glutaminyl-tRNA synthetase 1; minus strand). Cytogenetic location: 3p21.31.
Variant type: single nucleotide variant.
Coding change: c.1270C>T on transcript NM_005051.3 (MANE Select); coding-DNA position 1270, C replaced by T.
Protein change: p.Pro424Ser; replaces proline 424 with serine.
Molecular consequence: missense variant. On other transcripts: non-coding transcript variant (1).
Genome position (GRCh38, 1-based): chr3:49,099,986, G>A on the plus strand (C>T on the coding strand, the complement: QARS1 is on the minus strand). VCF-style: chr3-49099986-G-A. GRCh37 (hg19) VCF-style: chr3-49137419-G-A.
Other names: c.1237C>T, p.Pro413Ser (NM_001272073.2); short protein forms P413S, P424S.
Identifiers: ClinVar variation 1350138 (VCV001350138.6), dbSNP rs918533004, ClinGen allele CA74474251.
Genomic context (GRCh38, chr3:49,099,986, plus strand): 5'-GGCAGCCCCACCACCCCACCCCATTCTACACCCACCATTTGTCCCCTGTGCGGTGGTGTG[G>A]TGTATACTTGACTCGATAGGCTACAGGGTCCATCTTGCCATCCTCCATCACCAGCTTCAT-3'
Protein context (NP_005042.1, residues 414-434): DPVAYRVKYT[Pro424Ser]HHRTGDKWCI

ClinVar aggregate classification (germline): Uncertain significance (1 of 4 stars; one submission).

Conditions:
Diffuse cerebral and cerebellar atrophy - intractable seizures - progressive microcephaly syndrome. Also called: Microcephaly, progressive, with seizures and cerebral and cerebellar atrophy. Identifiers: Orphanet 404437, MedGen C4014239, MONDO:0014335, OMIM 615760.

gnomAD v4.1: 7 of 1,614,030 alleles (0.00043%); highest among the groups gnomAD compares: African/African-American, 0.008%; no homozygotes.

Submission:

Labcorp Genetics (formerly Invitae), Labcorp
Classification: Uncertain significance for Diffuse cerebral and cerebellar atrophy - intractable seizures - progressive microcephaly syndrome. Last evaluated: 2024-01-24. Review status: criteria provided, single submitter. Criteria: Invitae Variant Classification Sherloc (09022015). Collection method: clinical testing. Allele origin: germline.
Comment: This sequence change replaces proline, which is neutral and non-polar, with serine, which is neutral and polar, at codon 424 of the QARS protein (p.Pro424Ser). This variant is not present in population databases (gnomAD no frequency). This variant has not been reported in the literature in individuals affected with QARS-related conditions. ClinVar contains an entry for this variant (Variation ID: 1350138). Advanced modeling of protein sequence and biophysical properties (such as structural, functional, and spatial information, amino acid conservation, physicochemical variation, residue mobility, and thermodynamic stability) has been performed at Invitae for this missense variant, however the output from this modeling did not meet the statistical confidence thresholds required to predict the impact of this variant on QARS protein function. In summary, the available evidence is currently insufficient to determine the role of this variant in disease. Therefore, it has been classified as a Variant of Uncertain Significance.